The following is an entry in ClinVar:

ClinVar aggregate classification (germline): Uncertain significance (1 of 4 stars; one submission).

Conditions:
Cardiovascular phenotype. Identifiers: MedGen CN230736.

Submission:

Ambry Genetics
Classification: Uncertain significance for Cardiovascular phenotype. Last evaluated: 2024-06-02. Review status: criteria provided, single submitter. Criteria: Ambry Variant Classification Scheme 2023. Collection method: clinical testing. Allele origin: germline.
Comment: The p.I1610N variant (also known as c.4829T>A), located in coding exon 27 of the SCN10A gene, results from a T to A substitution at nucleotide position 4829. The isoleucine at codon 1610 is replaced by asparagine, an amino acid with dissimilar properties. This amino acid position is conserved. In addition, this alteration is predicted to be deleterious by in silico analysis. Based on the available evidence, the clinical significance of this variant remains unclear.

NM_006514.4(SCN10A):c.4829T>A (p.Ile1610Asn)

Gene: SCN10A (sodium voltage-gated channel alpha subunit 10; minus strand). Cytogenetic location: 3p22.2.
Variant type: single nucleotide variant.
Coding change: c.4829T>A on transcript NM_006514.4 (MANE Select); coding-DNA position 4829, T replaced by A.
Protein change: p.Ile1610Asn; replaces isoleucine 1610 with asparagine.
Molecular consequence: missense variant.
Genome position (GRCh38, 1-based): chr3:38,698,391, A>T on the plus strand (T>A on the coding strand, the complement: SCN10A is on the minus strand). VCF-style: chr3-38698391-A-T. GRCh37 (hg19) VCF-style: chr3-38739882-A-T.
Other names: c.4826T>A, p.Ile1609Asn (NM_001293306.2); c.4535T>A, p.Ile1512Asn (NM_001293307.2); short protein forms I1512N, I1610N, I1609N.
Identifiers: ClinVar variation 3316527 (VCV003316527.1).